The following is an entry in ClinVar:

ClinVar aggregate classification (germline): Pathogenic (1 of 4 stars; one submission).

Conditions:
Juvenile retinoschisis (RS1). Also called: X-linked retinoschisis; X-Linked Juvenile Retinoschisis. Identifiers: Orphanet 792, MedGen C3714753, MONDO:0010725, OMIM 312700.

Submission:

Natera, Inc.
Classification: Pathogenic for X-linked retinoschisis. Last evaluated: 2025-01-06. Review status: criteria provided, single submitter. Criteria: Natera Variant Classification Schema (03/2026). Collection method: clinical testing. Allele origin: germline.
Comment: The c.32T>A variant in RS1 is a nonsense variant predicted to introduce a stop codon at amino acid 11. This variant is expected to result in nonsense mediated decay, truncation, or a dysfunctional protein product. This variant is rare in the general population with a frequency below the threshold expected for the associated phenotype(s). This variant has been observed in affected individual(s) with monoallelic occurrence (heterozygous/hemizygous) (PMID: 36856325). Given the available evidence, this variant is classified as Pathogenic.

Literature cited by the submitters: PubMed 36856325.

NM_000330.4(RS1):c.32T>A (p.Leu11Ter)

Gene: RS1 (retinoschisin 1; minus strand). Cytogenetic location: Xp22.13.
Variant type: single nucleotide variant.
Coding change: c.32T>A on transcript NM_000330.4 (MANE Select); coding-DNA position 32, T replaced by A.
Protein change: p.Leu11Ter; replaces leucine 11 with a stop codon.
Molecular consequence: nonsense.
Genome position (GRCh38, 1-based): chrX:18,672,037, A>T on the plus strand (T>A on the coding strand, the complement: RS1 is on the minus strand). VCF-style: chrX-18672037-A-T. GRCh37 (hg19) VCF-style: chrX-18690157-A-T.
Other names: short protein forms L11*.
Identifiers: ClinVar variation 4060898 (VCV004060898.2).
Genomic context (GRCh38, chrX:18,672,037, plus strand): 5'-TTAAGTATGCAATGAATGTCAATGGTTGAATAGCACATACCTTCATAGCCAAAGAGAAGT[A>T]ATAACAAAAAGCCTTCTATCTTGCGTGACATCTTCCCCTCGTCCTCGGCCAAAGCTCTAC-3'